The following is an entry in ClinVar:

NM_001243133.2(NLRP3):c.119C>T (p.Pro40Leu)

Gene: NLRP3 (NLR family pyrin domain containing 3; plus strand). Cytogenetic location: 1q44.
Variant type: single nucleotide variant.
Coding change: c.119C>T on transcript NM_001243133.2 (MANE Select); coding-DNA position 119, C replaced by T.
Protein change: p.Pro40Leu; replaces proline 40 with leucine.
Molecular consequence: missense variant.
Genome position (GRCh38, 1-based): chr1:247,418,919, C>T. VCF-style: chr1-247418919-C-T. GRCh37 (hg19) VCF-style: chr1-247582221-C-T.
Other names: c.119C>T, p.Pro40Leu (NM_001079821.3, NM_001127461.3, NM_001127462.3 and 1 more transcripts); c.125C>T, p.Pro42Leu (NM_004895.5); short protein forms P40L, P42L.
Identifiers: ClinVar variation 3684135 (VCV003684135.2).

ClinVar aggregate classification (germline): Uncertain significance (1 of 4 stars; one submission).

Conditions:
Cryopyrin associated periodic syndrome (CAPS). Identifiers: Orphanet 208650, MedGen C2316212, MONDO:0016168.

gnomAD v4.1: 8 of 1,614,082 alleles (0.0005%); highest among the groups gnomAD compares: South Asian, 0.0022%; no homozygotes.

Submission:

Labcorp Genetics (formerly Invitae), Labcorp
Classification: Uncertain significance for Cryopyrin associated periodic syndrome. Last evaluated: 2024-03-09. Review status: criteria provided, single submitter. Criteria: Invitae Variant Classification Sherloc (09022015). Collection method: clinical testing. Allele origin: germline.
Comment: This sequence change replaces proline, which is neutral and non-polar, with leucine, which is neutral and non-polar, at codon 42 of the NLRP3 protein (p.Pro42Leu). This variant is present in population databases (no rsID available, gnomAD 0.007%). This variant has not been reported in the literature in individuals affected with NLRP3-related conditions. Advanced modeling of protein sequence and biophysical properties (such as structural, functional, and spatial information, amino acid conservation, physicochemical variation, residue mobility, and thermodynamic stability) has been performed at Invitae for this missense variant, however the output from this modeling did not meet the statistical confidence thresholds required to predict the impact of this variant on NLRP3 protein function. In summary, the available evidence is currently insufficient to determine the role of this variant in disease. Therefore, it has been classified as a Variant of Uncertain Significance.